The following is an entry in ClinVar:

NM_024649.5(BBS1):c.1339+1G>A

Genes: BBS1 (Bardet-Biedl syndrome 1; plus strand), ZDHHC24 (zDHHC palmitoyltransferase 24; minus strand). Cytogenetic location: 11q13.2.
Variant type: single nucleotide variant.
Coding change: c.1339+1G>A on transcript NM_024649.5 (MANE Select); the canonical splice donor site of the intron after coding-DNA position 1339, G replaced by A.
Molecular consequence: splice donor variant. On other transcripts: intron variant (1).
Genome position (GRCh38, 1-based): chr11:66,526,808, G>A. VCF-style: chr11-66526808-G-A. GRCh37 (hg19) VCF-style: chr11-66294279-G-A.
Other names: c.*21+128C>T (NM_001348571.2).
Identifiers: ClinVar variation 1977649 (VCV001977649.5), dbSNP rs2495802280, ClinGen allele CA381422966.

ClinVar aggregate classification (germline): Likely pathogenic (1 of 4 stars; one submission).

Conditions:
Bardet-Biedl syndrome (BBS). Identifiers: Orphanet 110, MedGen C0752166, MONDO:0015229.

Submission:

Labcorp Genetics (formerly Invitae), Labcorp
Classification: Likely pathogenic for Bardet-Biedl syndrome. Last evaluated: 2022-09-09. Review status: criteria provided, single submitter. Criteria: Invitae Variant Classification Sherloc (09022015). Collection method: clinical testing. Allele origin: germline.
Comment: Algorithms developed to predict the effect of sequence changes on RNA splicing suggest that this variant may disrupt the consensus splice site. This variant has not been reported in the literature in individuals affected with BBS1-related conditions. This variant is not present in population databases (gnomAD no frequency). This sequence change affects a donor splice site in intron 13 of the BBS1 gene. It is expected to disrupt RNA splicing. Variants that disrupt the donor or acceptor splice site typically lead to a loss of protein function (PMID: 16199547), and loss-of-function variants in BBS1 are known to be pathogenic (PMID: 12118255, 21520335, 27032803). In summary, the currently available evidence indicates that the variant is pathogenic, but additional data are needed to prove that conclusively. Therefore, this variant has been classified as Likely Pathogenic.

Literature cited by the submitters: PubMed 16199547; PubMed 12118255; PubMed 21520335; PubMed 27032803.